The following is an entry in ClinVar:

ClinVar aggregate classification (germline): Likely benign. Review status: criteria provided, multiple submitters, no conflicts (2 of 4 stars). 5 submissions from 5 submitters: Likely benign (4). 1 of the submissions does not count toward it. Last evaluated 2026-04-01.

Conditions:
CREBBP-related disorder. Also called: CREBBP-related disorders; CREBBP-related condition.
Rubinstein-Taybi syndrome due to CREBBP mutations (RSTS1). Also called: RUBINSTEIN-TAYBI SYNDROME 1, INCOMPLETE; BROAD THUMB-HALLUX SYNDROME; RUBINSTEIN SYNDROME; BROAD THUMBS AND GREAT TOES, CHARACTERISTIC FACIES, AND IMPAIRED INTELLECTUAL DEVELOPMENT; Rubinstein-Taybi syndrome 1; CREBBP-Related Rubinstein-Taybi Syndrome. Identifiers: Orphanet 353277, Orphanet 783, MedGen C4551859, MONDO:0008393, OMIM 180849.
Menke-Hennekam syndrome 1 (MKHK1). Identifiers: MedGen C5193034, MONDO:0020763, OMIM 618332.
Rubinstein-Taybi syndrome (RSTS). Identifiers: Orphanet 783, MedGen C0035934, MONDO:0019188.

Allele frequency attached by ClinVar (database versions not stated): ExAC 0.00002; gnomAD 0.00004; TOPMed 0.00004; gnomAD exomes 0.00006.
gnomAD v4.1: 109 of 1,614,058 alleles (0.0068%); highest among the groups gnomAD compares: Non-Finnish European, 0.0089%; no homozygotes.

Submissions (5):

CeGaT Center for Human Genetics Tuebingen
Classification: Likely benign. Last evaluated: 2026-04-01. Review status: criteria provided, single submitter. Criteria: CeGaT Center For Human Genetics Tuebingen Variant Classification Criteria Version 2. Collection method: clinical testing. Allele origin: germline. Affected: yes. Observed: 1 variant allele.
Comment: CREBBP: BP4, BP7

Labcorp Genetics (formerly Invitae), Labcorp
Classification: Likely benign for Rubinstein-Taybi syndrome. Last evaluated: 2025-01-27. Review status: criteria provided, single submitter. Criteria: Invitae Variant Classification Sherloc (09022015). Collection method: clinical testing. Allele origin: germline.

Fulgent Genetics
Classification: Likely benign for Rubinstein-Taybi syndrome due to CREBBP mutations; Menke-Hennekam syndrome 1. Last evaluated: 2022-02-15. Review status: criteria provided, single submitter. Criteria: ACMG Guidelines, 2015. Collection method: clinical testing. Allele origin: unknown.

GeneDx
Classification: Likely benign. Last evaluated: 2020-04-24. Review status: criteria provided, single submitter. Criteria: GeneDx Variant Classification Process June 2021. Collection method: clinical testing. Allele origin: germline. Affected: yes.

PreventionGenetics, part of Exact Sciences
Classification: Likely benign for CREBBP-related condition. Last evaluated: 2024-02-15. Review status: no assertion criteria provided. Collection method: clinical testing. Allele origin: germline. Not counted in ClinVar's aggregate classification.
Comment: This variant is classified as likely benign based on ACMG/AMP sequence variant interpretation guidelines (Richards et al. 2015 PMID: 25741868, with internal and published modifications).

NM_004380.3(CREBBP):c.7236G>A (p.Leu2412=)

Gene: CREBBP (CREB binding lysine acetyltransferase; minus strand). Cytogenetic location: 16p13.3.
Variant type: single nucleotide variant.
Coding change: c.7236G>A on transcript NM_004380.3 (MANE Select); coding-DNA position 7236, G replaced by A.
Protein change: p.Leu2412=; no amino-acid change (leucine 2412 retained).
Molecular consequence: synonymous variant.
Genome position (GRCh38, 1-based): chr16:3,727,811, C>T on the plus strand (G>A on the coding strand, the complement: CREBBP is on the minus strand). VCF-style: chr16-3727811-C-T. GRCh37 (hg19) VCF-style: chr16-3777812-C-T.
Other names: c.7122G>A, p.Leu2374= (NM_001079846.1).
Identifiers: ClinVar variation 705723 (VCV000705723.16), dbSNP rs745992971, ClinGen allele CA7868931.
Genomic context (GRCh38, chr16:3,727,811, plus strand): 5'-CCCCGTGGTGTCCCCGACCAGGGACAGTTCGCTGGACAGCGCACTCCTGCTGGGGGTGTT[C>T]AGCTGGGGGAGCATTGCACTCTGTTCGGGGTTCCCCAAGTGTCCCTGATCTATGGAGCTG-3'
Protein context (NP_004371.2, residues 2402-2422): NPEQSAMLPQ[Leu2412=]NTPSRSALSS